The following is an entry in ClinVar:

NM_001003787.4(STRADA):c.156C>G (p.Ser52=)

Gene: STRADA (STE20 related adaptor alpha; minus strand). Cytogenetic location: 17q23.3.
Variant type: single nucleotide variant.
Coding change: c.156C>G on transcript NM_001003787.4 (MANE Select); coding-DNA position 156, C replaced by G.
Protein change: p.Ser52=; no amino-acid change (serine 52 retained).
Molecular consequence: synonymous variant. On other transcripts: 5 prime UTR variant (3), non-coding transcript variant (1), intron variant (1).
Genome position (GRCh38, 1-based): chr17:63,714,076, G>C on the plus strand (C>G on the coding strand, the complement: STRADA is on the minus strand). VCF-style: chr17-63714076-G-C. GRCh37 (hg19) VCF-style: chr17-61791436-G-C.
Other names: c.45C>G, p.Ser15= (NM_001003786.3, NM_001363789.1, NM_153335.6); c.-19C>G (NM_001003788.3, NM_001363790.1, NM_001363791.1); c.69C>G, p.Ser23= (NM_001165969.2, NM_001363787.1); c.132C>G, p.Ser44= (NM_001363786.1); c.156C>G, p.Ser52= (NM_001363788.1); c.95-549C>G (NM_001165970.2).
Identifiers: ClinVar variation 1104625 (VCV001104625.33), dbSNP rs368885273, ClinGen allele CA8703474.

ClinVar aggregate classification (germline): Likely benign. Review status: criteria provided, multiple submitters, no conflicts (2 of 4 stars). 3 submissions from 3 submitters: Likely benign (3). Last evaluated 2025-12-15.

Conditions:
Polyhydramnios, megalencephaly, and symptomatic epilepsy (PMSE). Also called: PMSE SYNDROME. Identifiers: Orphanet 500533, MedGen C1970203, MONDO:0012611, OMIM 611087.

Allele frequency attached by ClinVar (database versions not stated): gnomAD 0.00004; ExAC 0.00007; ESP Exome Variant Server 0.00008.
gnomAD v4.1: 83 of 1,613,758 alleles (0.0051%); highest among the groups gnomAD compares: Non-Finnish European, 0.0064%; no homozygotes.

Submissions (3):

Labcorp Genetics (formerly Invitae), Labcorp
Classification: Likely benign for Polyhydramnios, megalencephaly, and symptomatic epilepsy. Last evaluated: 2025-12-15. Review status: criteria provided, single submitter. Criteria: Invitae Variant Classification Sherloc (09022015). Collection method: clinical testing. Allele origin: germline.

Blueprint Genetics
Classification: Likely benign. Last evaluated: 2024-11-19. Review status: criteria provided, single submitter. Criteria: ACMG Guidelines, 2015. Collection method: clinical testing. Allele origin: germline.

CeGaT Center for Human Genetics Tuebingen
Classification: Likely benign. Last evaluated: 2023-12-01. Review status: criteria provided, single submitter. Criteria: CeGaT Center For Human Genetics Tuebingen Variant Classification Criteria Version 2. Collection method: clinical testing. Allele origin: germline. Affected: yes. Observed: 2 variant alleles.
Comment: STRADA: BP4, BP7